The following is an entry in ClinVar:

NM_004628.5(XPC):c.1509C>T (p.Ser503=)

Gene: XPC (XPC complex subunit, DNA damage recognition and repair factor; minus strand). Cytogenetic location: 3p25.1.
Variant type: single nucleotide variant.
Coding change: c.1509C>T on transcript NM_004628.5 (MANE Select); coding-DNA position 1509, C replaced by T.
Protein change: p.Ser503=; no amino-acid change (serine 503 retained).
Molecular consequence: synonymous variant. On other transcripts: non-coding transcript variant (2).
Genome position (GRCh38, 1-based): chr3:14,158,374, G>A on the plus strand (C>T on the coding strand, the complement: XPC is on the minus strand). VCF-style: chr3-14158374-G-A. GRCh37 (hg19) VCF-style: chr3-14199874-G-A.
Other names: c.930C>T, p.Ser310= (NM_001354726.2); c.1509C>T, p.Ser503= (NM_001354727.2, NM_001354730.2); c.1491C>T, p.Ser497= (NM_001354729.2).
Identifiers: ClinVar variation 756305 (VCV000756305.39), dbSNP rs760867012, ClinGen allele CA2267420.

ClinVar aggregate classification (germline): Conflicting classifications of pathogenicity. Review status: criteria provided, conflicting classifications (1 of 4 stars). 6 submissions from 6 submitters: Uncertain significance (1); Benign (1); Likely benign (4). Last evaluated 2025-12-01.

Conditions:
Xeroderma pigmentosum, group C (XPC). Also called: XPC-Related Xeroderma Pigmentosum; XERODERMA PIGMENTOSUM III; XP, GROUP C; Xeroderma pigmentosum, complementation group C. Identifiers: Orphanet 910, MedGen C2752147, MONDO:0010211, OMIM 278720.
Xeroderma pigmentosum (XP). Identifiers: Orphanet 910, MedGen C0043346, MONDO:0019600.

Allele frequency attached by ClinVar (database versions not stated): gnomAD exomes 0.00004 and 0.00005; TOPMed 0.00005; ExAC 0.00006; gnomAD 0.00009.
gnomAD v4.1: 78 of 1,613,740 alleles (0.0048%); highest among the groups gnomAD compares: Non-Finnish European, 0.0064%; no homozygotes.

Submissions (6):

CeGaT Center for Human Genetics Tuebingen
Classification: Likely benign. Last evaluated: 2025-12-01. Review status: criteria provided, single submitter. Criteria: CeGaT Center For Human Genetics Tuebingen Variant Classification Criteria Version 2. Collection method: clinical testing. Allele origin: germline. Affected: yes. Observed: 2 variant alleles.
Comment: XPC: BP4, BP7

Labcorp Genetics (formerly Invitae), Labcorp
Classification: Likely benign. Last evaluated: 2025-11-24. Review status: criteria provided, single submitter. Criteria: Invitae Variant Classification Sherloc (09022015). Collection method: clinical testing. Allele origin: germline.

Laboratory of Genetics, Children's Clinical University Hospital Latvia
Classification: Benign. Last evaluated: 2025-02-16. Review status: criteria provided, single submitter. Criteria: ACMG Guidelines, 2015. Collection method: clinical testing. Allele origin: germline. Affected: yes.

Blueprint Genetics
Classification: Likely benign. Last evaluated: 2024-07-18. Review status: criteria provided, single submitter. Criteria: ACMG Guidelines, 2015. Collection method: clinical testing. Allele origin: germline.

Sema4
Classification: Likely benign for Xeroderma pigmentosum. Last evaluated: 2021-09-21. Review status: criteria provided, single submitter. Criteria: Sema4 Curation Guidelines. Collection method: curation. Allele origin: germline.

Illumina Laboratory Services, Illumina
Classification: Uncertain significance for Xeroderma pigmentosum, group C. Last evaluated: 2018-01-12. Review status: criteria provided, single submitter. Criteria: ICSL Variant Classification Criteria 13 December 2019. Collection method: clinical testing. Allele origin: germline.